The following is an entry in ClinVar:

ClinVar aggregate classification (germline): Uncertain significance (1 of 4 stars; one submission).

Conditions:
Inborn genetic diseases. Identifiers: MedGen C0950123, MeSH D030342.

Submission:

Ambry Genetics
Classification: Uncertain significance for Inborn genetic diseases. Last evaluated: 2018-09-20. Review status: criteria provided, single submitter. Criteria: Ambry Variant Classification Scheme 2023. Collection method: clinical testing. Allele origin: germline.
Comment: formerly reported from HGMD as NM_001042537 c.440delG

NM_001379110.1(SLC9A6):c.284del (p.Ser95fs)

Gene: SLC9A6 (solute carrier family 9 member A6; plus strand). Cytogenetic location: Xq26.3.
Variant type: Deletion.
Coding change: c.284del on transcript NM_001379110.1 (MANE Select); coding-DNA position 284, one base deleted (G; older notation c.284delG).
Protein change: p.Ser95fs; shifts the reading frame from serine 95.
Molecular consequence: frameshift variant. On other transcripts: intron variant (3).
Genome position (GRCh38, 1-based): chrX:135,994,900, G deleted. VCF-style (leftmost placement, unchanged base first): chrX-135994899-AG-A. GRCh37 (hg19) VCF-style: chrX-135077058-AG-A.
Other names: c.440del, p.Ser147fs (NM_001042537.2); c.284del, p.Ser95fs (NM_001177651.2, NM_001400909.1, NM_001400910.1 and 2 more transcripts); c.429+11del (NM_006359.3); c.273+11del (NM_001400913.1, NM_001330652.2); short protein forms S147fs, S95fs.
Identifiers: ClinVar variation 3225530 (VCV003225530.1), dbSNP rs2521144179, ClinGen allele CA2695238521.